The following is an entry in ClinVar:

ClinVar aggregate classification (germline): Pathogenic (1 of 4 stars; one submission).

Conditions:
Wiskott-Aldrich syndrome (WAS). Also called: WISKOTT-ALDRICH SYNDROME 1; ALDRICH SYNDROME; IMMUNODEFICIENCY 2; Wiskott-aldrich syndrome, somatic. Identifiers: Orphanet 906, MedGen C0043194, MONDO:0010518, OMIM 301000.
X-linked severe congenital neutropenia (SCNX). Identifiers: Orphanet 86788, MedGen C1845987, MONDO:0010294, OMIM 300299.
Thrombocytopenia 1. Also called: X-Linked Thrombocytopenia (XLT); THROMBOCYTOPENIA, X-LINKED, 1; X-linked thrombocytopenia with normal platelets. Identifiers: Orphanet 268322, Orphanet 852, MedGen C1839163, MONDO:0010743, OMIM 313900.

Submission:

Labcorp Genetics (formerly Invitae), Labcorp
Classification: Pathogenic for Wiskott-Aldrich syndrome; Severe congenital neutropenia X-linked; Thrombocytopenia, X-linked. Last evaluated: 2019-01-28. Review status: criteria provided, single submitter. Criteria: Invitae Variant Classification Sherloc (09022015). Collection method: clinical testing. Allele origin: germline.
Comment: This sequence change creates a premature translational stop signal (p.Leu105Serfs*23) in the WAS gene. It is expected to result in an absent or disrupted protein product. This variant is not present in population databases (ExAC no frequency). This variant has not been reported in the literature in individuals with WAS-related conditions. Loss-of-function variants in WAS are known to be pathogenic (PMID: 15284122). For these reasons, this variant has been classified as Pathogenic.

NM_000377.3(WAS):c.311_312insAA (p.Leu105fs)

Gene: WAS (WASP actin nucleation promoting factor; plus strand). Cytogenetic location: Xp11.23.
Variant type: Insertion.
Coding change: c.311_312insAA on transcript NM_000377.3 (MANE Select); coding-DNA positions 311 to 312, AA inserted.
Protein change: p.Leu105fs; shifts the reading frame from leucine 105.
Molecular consequence: frameshift variant.
Genome position: GRCh38 VCF-style: chrX-48685583-C-CAA. GRCh37 (hg19) VCF-style: chrX-48543972-C-CAA.
Other names: short protein forms L105fs.
Identifiers: ClinVar variation 862503 (VCV000862503.1), dbSNP rs2062416272, ClinGen allele CA916081266.